The following is an entry in ClinVar:

ClinVar aggregate classification (germline): Uncertain significance (1 of 4 stars; one submission).

gnomAD v4.1: 3 of 1,613,502 alleles (0.00019%); highest among the groups gnomAD compares: South Asian, 0.0022%; no homozygotes.

Submission:

Labcorp Genetics (formerly Invitae), Labcorp
Classification: Uncertain significance. Last evaluated: 2025-04-12. Review status: criteria provided, single submitter. Criteria: Invitae Variant Classification Sherloc (09022015). Collection method: clinical testing. Allele origin: germline.
Comment: This sequence change replaces aspartic acid, which is acidic and polar, with tyrosine, which is neutral and polar, at codon 203 of the LIPG protein (p.Asp203Tyr). This variant is present in population databases (no rsID available, gnomAD 0.006%). This variant has not been reported in the literature in individuals affected with LIPG-related conditions. An algorithm developed to predict the effect of missense changes on protein structure and function (PolyPhen-2) suggests that this variant is likely to be disruptive. In summary, the available evidence is currently insufficient to determine the role of this variant in disease. Therefore, it has been classified as a Variant of Uncertain Significance.

NM_006033.4(LIPG):c.607G>T (p.Asp203Tyr)

Gene: LIPG (lipase G, endothelial type; plus strand). Cytogenetic location: 18q21.1.
Variant type: single nucleotide variant.
Coding change: c.607G>T on transcript NM_006033.4 (MANE Select); coding-DNA position 607, G replaced by T.
Protein change: p.Asp203Tyr; replaces aspartic acid 203 with tyrosine.
Molecular consequence: missense variant. On other transcripts: intron variant (1).
Genome position (GRCh38, 1-based): chr18:49,575,404, G>T. VCF-style: chr18-49575404-G-T. GRCh37 (hg19) VCF-style: chr18-47101774-G-T.
Other names: c.571+5856G>T (NM_001308006.2); short protein forms D203Y.
Identifiers: ClinVar variation 4709051 (VCV004709051.1).
Genomic context (GRCh38, chr18:49,575,404, plus strand): 5'-GTTTTGGGGCCTCCTTCTGCTGCAGGTTTGGATCCTGCCGGGCCCATGTTTGAAGGGGCC[G>T]ACATCCACAAGAGGCTCTCTCCGGACGATGCAGATTTTGTGGATGTCCTCCACACCTACA-3'
Protein context (NP_006024.1, residues 193-213): DPAGPMFEGA[Asp203Tyr]IHKRLSPDDA